The following is an entry in ClinVar:

NM_001267550.2(TTN):c.81259del (p.Asp27087fs)

Genes: TTN (titin; minus strand), TTN-AS1 (TTN antisense RNA 1; plus strand). Cytogenetic location: 2q31.2.
Variant type: Deletion.
Coding change: c.81259del on transcript NM_001267550.2 (MANE Select); coding-DNA position 81259, one base deleted (G; older notation c.81259delG).
Protein change: p.Asp27087fs; shifts the reading frame from aspartic acid 27087.
Molecular consequence: frameshift variant.
Genome position (GRCh38, 1-based): chr2:178,564,873, C deleted on the plus strand (G on the coding strand, the reverse complement: TTN is on the minus strand). VCF-style (leftmost placement, unchanged base first): chr2-178564872-TC-T. GRCh37 (hg19) VCF-style: chr2-179429599-TC-T.
Other names: c.76336del, p.Asp25446fs (NM_001256850.1); c.54064del, p.Asp18022fs (NM_003319.4); c.73555del, p.Asp24519fs (NM_133378.4); c.54439del, p.Asp18147fs (NM_133432.3); c.54640del, p.Asp18214fs (NM_133437.4); short protein forms D18022fs, D18147fs, D25446fs, D18214fs, D24519fs, D27087fs.
Identifiers: ClinVar variation 1513699 (VCV001513699.6), dbSNP rs2154163570, ClinGen allele CA2573134152.

ClinVar aggregate classification (germline): Likely pathogenic (1 of 4 stars; one submission).

Conditions:
Dilated cardiomyopathy 1G (CMD1G). Identifiers: Orphanet 154, MedGen C1858763, MONDO:0011400, OMIM 604145.
Autosomal recessive limb-girdle muscular dystrophy type 2J (LGMDR10). Also called: Limb-girdle muscular dystrophy, type 2J; MUSCULAR DYSTROPHY, LIMB-GIRDLE, AUTOSOMAL RECESSIVE 10. Identifiers: Orphanet 140922, MedGen C1837342, MONDO:0012127, OMIM 608807.

Submission:

Labcorp Genetics (formerly Invitae), Labcorp
Classification: Likely pathogenic for Dilated cardiomyopathy 1G; Autosomal recessive limb-girdle muscular dystrophy type 2J. Last evaluated: 2021-08-14. Review status: criteria provided, single submitter. Criteria: Invitae Variant Classification Sherloc (09022015). Collection method: clinical testing. Allele origin: germline.
Comment: In summary, the currently available evidence indicates that the variant is pathogenic, but additional data are needed to prove that conclusively. Therefore, this variant has been classified as Likely Pathogenic. This variant is located in the A band of TTN (PMID: 25589632). Truncating variants in this region are significantly overrepresented in patients affected with dilated cardiomyopathy (PMID: 25589632). Truncating variants in this region have also been reported in individuals affected with autosomal recessive centronuclear myopathy (PMID: 23975875). This variant has not been reported in the literature in individuals affected with TTN-related conditions. This variant is not present in population databases (ExAC no frequency). This sequence change creates a premature translational stop signal (p.Asp27087Ilefs*11) in the TTN gene. While this is not anticipated to result in nonsense mediated decay, it is expected to create a truncated TTN protein.

Literature cited by the submitters: PubMed 25589632; PubMed 23975875.